The following is an entry in ClinVar:

ClinVar aggregate classification (germline): Uncertain significance (1 of 4 stars; one submission).

Submission:

GeneDx
Classification: Uncertain significance. Last evaluated: 2024-10-15. Review status: criteria provided, single submitter. Criteria: GeneDx Variant Classification Process June 2021. Collection method: clinical testing. Allele origin: germline. Affected: yes.
Comment: Not observed at significant frequency in large population cohorts (gnomAD); Missense variants in this gene are a common cause of disease and they are underrepresented in the general population; In silico analysis indicates that this missense variant does not alter protein structure/function; Has not been previously published as pathogenic or benign to our knowledge

NM_002524.5(NRAS):c.503T>C (p.Met168Thr)

Gene: NRAS (NRAS proto-oncogene, GTPase; minus strand). Cytogenetic location: 1p13.2.
Variant type: single nucleotide variant.
Coding change: c.503T>C on transcript NM_002524.5 (MANE Select); coding-DNA position 503, T replaced by C.
Protein change: p.Met168Thr; replaces methionine 168 with threonine.
Molecular consequence: missense variant.
Genome position (GRCh38, 1-based): chr1:114,708,602, A>G on the plus strand (T>C on the coding strand, the complement: NRAS is on the minus strand). VCF-style: chr1-114708602-A-G. GRCh37 (hg19) VCF-style: chr1-115251223-A-G.
Other names: short protein forms M168T.
Identifiers: ClinVar variation 3780978 (VCV003780978.1).